The following is an entry in ClinVar:

ClinVar aggregate classification (germline): Uncertain significance (1 of 4 stars; one submission).

Conditions:
Autosomal recessive severe congenital neutropenia due to JAGN1 deficiency. Also called: Severe congenital neutropenia 6, autosomal recessive. Identifiers: Orphanet 423384, MedGen C4014954, MONDO:0014456, OMIM 616022.

Submission:

Labcorp Genetics (formerly Invitae), Labcorp
Classification: Uncertain significance for Autosomal recessive severe congenital neutropenia due to JAGN1 deficiency. Last evaluated: 2019-05-01. Review status: criteria provided, single submitter. Criteria: Invitae Variant Classification Sherloc (09022015). Collection method: clinical testing. Allele origin: germline.
Comment: This variant is not present in population databases (ExAC no frequency). In summary, the available evidence is currently insufficient to determine the role of this variant in disease. Therefore, it has been classified as a Variant of Uncertain Significance. This variant has not been reported in the literature in individuals with JAGN1-related conditions. This sequence change results in a premature translational stop signal in the JAGN1 gene (p.Ala24Thrfs*4). While this is not anticipated to result in nonsense mediated decay, it is expected to disrupt the last 160 amino acids of the JAGN1 protein.

NM_032492.4(JAGN1):c.70_76del (p.Ala24fs)

Gene: JAGN1 (jagunal homolog 1; plus strand). Cytogenetic location: 3p25.3.
Variant type: Deletion.
Coding change: c.70_76del on transcript NM_032492.4 (MANE Select); coding-DNA positions 70 to 76, 7 bases deleted (GCCATGC; older notation c.70_76delGCCATGC).
Protein change: p.Ala24fs; shifts the reading frame from alanine 24.
Molecular consequence: frameshift variant. On other transcripts: 5 prime UTR variant (1).
Genome position (GRCh38, 1-based): chr3:9,890,792-9,890,798, GCCATGC deleted; deleting any 7 consecutive bases within chr3:9,890,791-9,890,798 gives the same sequence; the c. name uses the placement nearest the transcript's 3' end. VCF-style (leftmost placement, unchanged base first): chr3-9890790-TCGCCATG-T. GRCh37 (hg19) VCF-style: chr3-9932474-TCGCCATG-T.
Other names: c.-199_-193del (NM_001363890.1); short protein forms A24fs.
Identifiers: ClinVar variation 947595 (VCV000947595.4), dbSNP rs2082557086, ClinGen allele CA1139657880.